The following is an entry in ClinVar:

ClinVar aggregate classification (germline): Likely benign (1 of 4 stars; one submission).

gnomAD v4.1: 86 of 1,614,184 alleles (0.0053%); highest among the groups gnomAD compares: Middle Eastern, 0.016%; no homozygotes.

Submission:

CeGaT Center for Human Genetics Tuebingen
Classification: Likely benign. Last evaluated: 2026-08-01. Review status: criteria provided, single submitter. Criteria: CeGaT Center For Human Genetics Tuebingen Variant Classification Criteria Version 2. Collection method: clinical testing. Allele origin: germline. Affected: yes. Observed: 1 variant allele.
Comment: TRPM3: BP4, BP7

NM_001366145.2(TRPM3):c.2010C>T (p.His670=)

Gene: TRPM3 (transient receptor potential cation channel subfamily M member 3; minus strand). Cytogenetic location: 9q21.12.
Variant type: single nucleotide variant.
Coding change: c.2010C>T on transcript NM_001366145.2 (MANE Select); coding-DNA position 2010, C replaced by T.
Protein change: p.His670=; no amino-acid change (histidine 670 retained).
Molecular consequence: synonymous variant.
Genome position (GRCh38, 1-based): chr9:70,620,195, G>A on the plus strand (C>T on the coding strand, the complement: TRPM3 is on the minus strand). VCF-style: chr9-70620195-G-A. GRCh37 (hg19) VCF-style: chr9-73235111-G-A.
Other names: c.1974C>T, p.His658= (NM_001007471.4, NM_001366151.2); c.1980C>T, p.His660= (NM_001366141.2, NM_001366143.2, NM_001366149.2); c.2016C>T, p.His672= (NM_001366142.2); c.2010C>T, p.His670= (NM_001366146.2); c.2085C>T, p.His695= (NM_001366147.2, NM_001366152.2); c.2055C>T, p.His685= (NM_001366148.2); c.1944C>T, p.His648= (NM_001366150.2); c.1551C>T, p.His517= (NM_001366154.2, NM_024971.7); and 5 more.
Identifiers: ClinVar variation 5039472 (VCV005039472.1).